The following is an entry in ClinVar:

ClinVar aggregate classification (germline): Uncertain significance (1 of 4 stars; one submission).

Conditions:
Hereditary cancer-predisposing syndrome. Also called: Neoplastic Syndromes, Hereditary; Tumor predisposition; Hereditary neoplastic syndrome; Hereditary Cancer Syndrome. Identifiers: Orphanet 140162, MedGen C0027672, MeSH D009386, MONDO:0015356.

Submission:

Ambry Genetics
Classification: Uncertain significance for Hereditary cancer-predisposing syndrome. Last evaluated: 2024-01-08. Review status: criteria provided, single submitter. Criteria: Ambry Variant Classification Scheme 2023. Collection method: clinical testing. Allele origin: germline.
Comment: The p.A972S variant (also known as c.2914G>T), located in coding exon 18 of the PTCH1 gene, results from a G to T substitution at nucleotide position 2914. The alanine at codon 972 is replaced by serine, an amino acid with similar properties. This amino acid position is conserved. In addition, the in silico prediction for this alteration is inconclusive. Since supporting evidence is limited at this time, the clinical significance of this alteration remains unclear.

NM_000264.5(PTCH1):c.2914G>T (p.Ala972Ser)

Gene: PTCH1 (patched 1; minus strand). Cytogenetic location: 9q22.32.
Variant type: single nucleotide variant.
Coding change: c.2914G>T on transcript NM_000264.5 (MANE Select); coding-DNA position 2914, G replaced by T.
Protein change: p.Ala972Ser; replaces alanine 972 with serine.
Molecular consequence: missense variant. On other transcripts: non-coding transcript variant (1).
Genome position (GRCh38, 1-based): chr9:95,458,267, C>A on the plus strand (G>T on the coding strand, the complement: PTCH1 is on the minus strand). VCF-style: chr9-95458267-C-A. GRCh37 (hg19) VCF-style: chr9-98220549-C-A.
Other names: c.2716G>T, p.Ala906Ser (NM_001083602.3); c.2911G>T, p.Ala971Ser (NM_001083603.3); c.2461G>T, p.Ala821Ser (NM_001083604.3, NM_001083605.3, NM_001083606.3 and 1 more transcripts); c.2758G>T, p.Ala920Ser (NM_001354918.2); short protein forms A821S, A906S, A920S, A971S, A972S.
Identifiers: ClinVar variation 3230995 (VCV003230995.1), dbSNP rs2136662633, ClinGen allele CA374112793.